The following is an entry in ClinVar:

ClinVar aggregate classification (germline): Likely pathogenic (1 of 4 stars; one submission).

Conditions:
Canavan Disease, Familial Form. Identifiers: MedGen C0751663.

Submission:

Women's Health and Genetics/Laboratory Corporation of America, LabCorp
Classification: Likely pathogenic for Canavan Disease, Familial Form. Last evaluated: 2016-09-16. Review status: criteria provided, single submitter. Criteria: LabCorp Variant Classification Summary - May 2015. Collection method: clinical testing. Allele origin: germline.
Comment: Variant summary: The ASPA c.631G>T (p.Glu211X) variant results in a premature termination codon, predicted to cause a truncated or absent ASPA protein due to nonsense mediated decay, which are commonly known mechanisms for disease. Truncations downstream of this position have been classified as pathogenic by our laboratory (e.g. c.693C>A (p.Tyr231X)). The variant of interest has not been found in controls (ExAC, 1000 Gs, or ESP), nor has it been, to our knowledge, reported in affected individuals via publications and/or reputable databases/clinical laboratories. Therefore, until additional information becomes available, the variant of interest has been classified as Likely Pathogenic.

NM_000049.4(ASPA):c.631G>T (p.Glu211Ter)

Genes: SPATA22 (spermatogenesis associated 22; minus strand), ASPA (aspartoacylase; plus strand). Cytogenetic location: 17p13.2.
Variant type: single nucleotide variant.
Coding change: c.631G>T on transcript NM_000049.4 (MANE Select); coding-DNA position 631, G replaced by T.
Protein change: p.Glu211Ter; replaces glutamic acid 211 with a stop codon.
Molecular consequence: nonsense. On other transcripts: intron variant (2).
Genome position (GRCh38, 1-based): chr17:3,489,339, G>T. VCF-style: chr17-3489339-G-T. GRCh37 (hg19) VCF-style: chr17-3392633-G-T.
Other names: c.631G>T, p.Glu211Ter (NM_001128085.1); c.-73-19941C>A (NM_001321336.2, NM_001321337.2); short protein forms E211*.
Identifiers: ClinVar variation 495380 (VCV000495380.3), dbSNP rs1555539903, ClinGen allele CA397684673.